The following is an entry in ClinVar:

ClinVar aggregate classification (germline): Uncertain significance (1 of 4 stars; one submission).

Submission:

Ambry Genetics
Classification: Uncertain significance. Last evaluated: 2026-03-20. Review status: criteria provided, single submitter. Criteria: Ambry Variant Classification Scheme 2023. Collection method: clinical testing. Allele origin: germline.
Comment: The p.V51L variant (also known as c.151G>C), located in coding exon 1 of the MC1R gene, results from a G to C substitution at nucleotide position 151. The valine at codon 51 is replaced by leucine, an amino acid with highly similar properties. This amino acid position is conserved. In addition, this alteration is predicted to be tolerated by in silico analysis. Based on the available evidence, the clinical significance of this variant remains unclear.

NM_002386.4(MC1R):c.151G>C (p.Val51Leu)

Gene: MC1R (melanocortin 1 receptor; plus strand). Cytogenetic location: 16q24.3.
Variant type: single nucleotide variant.
Coding change: c.151G>C on transcript NM_002386.4 (MANE Select); coding-DNA position 151, G replaced by C.
Protein change: p.Val51Leu; replaces valine 51 with leucine.
Molecular consequence: missense variant.
Genome position (GRCh38, 1-based): chr16:89,919,409, G>C. VCF-style: chr16-89919409-G-C. GRCh37 (hg19) VCF-style: chr16-89985817-G-C.
Other names: short protein forms V51L.
Identifiers: ClinVar variation 4859640 (VCV004859640.1).